The following is an entry in ClinVar:

NM_000088.4(COL1A1):c.3825G>T (p.Trp1275Cys)

Gene: COL1A1 (collagen type I alpha 1 chain; minus strand). Cytogenetic location: 17q21.33.
Variant type: single nucleotide variant.
Coding change: c.3825G>T on transcript NM_000088.4 (MANE Select); coding-DNA position 3825, G replaced by T.
Protein change: p.Trp1275Cys; replaces tryptophan 1275 with cysteine.
Molecular consequence: missense variant.
Genome position (GRCh38, 1-based): chr17:50,186,497, C>A on the plus strand (G>T on the coding strand, the complement: COL1A1 is on the minus strand). VCF-style: chr17-50186497-C-A. GRCh37 (hg19) VCF-style: chr17-48263858-C-A.
Other names: short protein forms W1275C.
Identifiers: ClinVar variation 2907526 (VCV002907526.3), dbSNP rs1555571766, ClinGen allele CA400193984.

ClinVar aggregate classification (germline): Likely pathogenic (1 of 4 stars; one submission).

Conditions:
Osteogenesis imperfecta type I (OI1). Also called: Osteogenesis imperfecta type 1; Lobstein's Disease; Classic Non-deforming Osteogenesis Imperfecta with Blue Sclerae; OI, TYPE I; OSTEOGENESIS IMPERFECTA TARDA; OSTEOGENESIS IMPERFECTA WITH BLUE SCLERAE. Identifiers: Orphanet 216796, Orphanet 666, MedGen C0023931, MONDO:0008146, OMIM 166200. Disease mechanism: loss of function.

Submission:

Labcorp Genetics (formerly Invitae), Labcorp
Classification: Likely pathogenic for Osteogenesis imperfecta type I. Last evaluated: 2023-07-14. Review status: criteria provided, single submitter. Criteria: Invitae Variant Classification Sherloc (09022015). Collection method: clinical testing. Allele origin: germline.
Comment: This variant is not present in population databases (gnomAD no frequency). This sequence change replaces tryptophan, which is neutral and slightly polar, with cysteine, which is neutral and slightly polar, at codon 1275 of the COL1A1 protein (p.Trp1275Cys). This missense change has been observed in individuals with osteogenesis imperfecta (PMID: 31055083; Invitae). In summary, the currently available evidence indicates that the variant is pathogenic, but additional data are needed to prove that conclusively. Therefore, this variant has been classified as Likely Pathogenic. This variant disrupts the p.Trp1275 amino acid residue in COL1A1. Other variant(s) that disrupt this residue have been observed in individuals with COL1A1-related conditions (PMID: 25146735), which suggests that this may be a clinically significant amino acid residue. Experimental studies have shown that this missense change affects COL1A1 function (PMID: 31055083). Advanced modeling of protein sequence and biophysical properties (such as structural, functional, and spatial information, amino acid conservation, physicochemical variation, residue mobility, and thermodynamic stability) performed at Invitae indicates that this missense variant is expected to disrupt COL1A1 protein function.

Literature cited by the submitters: PubMed 31055083; PubMed 25146735.